The following is an entry in ClinVar:

NM_000368.5(TSC1):c.2510dup (p.Asn837fs)

Gene: TSC1 (TSC complex subunit 1; minus strand). Cytogenetic location: 9q34.13.
Variant type: Duplication.
Coding change: c.2510dup on transcript NM_000368.5 (MANE Select); coding-DNA position 2510, one base duplicated (A; older notation c.2510dupA).
Protein change: p.Asn837fs; shifts the reading frame from asparagine 837.
Molecular consequence: frameshift variant.
Genome position (GRCh38, 1-based): chr9:132,900,830, T duplicated on the plus strand (A on the coding strand, the reverse complement: TSC1 is on the minus strand); the first of 3 consecutive T bases (chr9:132,900,830-132,900,832); duplicating any one gives the same sequence. VCF-style (leftmost placement, unchanged base first): chr9-132900829-G-GT. GRCh37 (hg19) VCF-style: chr9-135776216-G-GT.
Other names: c.2510dupA (NM_000368.4); c.2507dup, p.Asn836fs (NM_001162426.2); c.2357dup, p.Asn786fs (NM_001162427.2); c.2147dup, p.Asn716fs (NM_001362177.2); short protein forms N716fs, N837fs, N836fs, N786fs.
Identifiers: ClinVar variation 48973 (VCV000048973.9), dbSNP rs118203709, ClinGen allele CA262301.

ClinVar aggregate classification (germline): Pathogenic. Review status: criteria provided, multiple submitters, no conflicts (2 of 4 stars). 3 submissions from 3 submitters: Pathogenic (2). 1 of the submissions does not count toward it. Last evaluated 2023-09-22.

Conditions:
Tuberous sclerosis 1 (TSC1). Identifiers: Orphanet 805, MedGen C1854465, MONDO:0008612, OMIM 191100.
Tuberous sclerosis syndrome (TSC). Also called: Tuberous Sclerosis Complex; Tuberous sclerosis. Identifiers: Orphanet 805, MedGen C0041341, MONDO:0001734.

Submissions (3):

Institute of Human Genetics, University of Leipzig Medical Center
Classification: Pathogenic for Tuberous sclerosis 1. Last evaluated: 2023-09-22. Review status: criteria provided, single submitter. Criteria: ACMG Guidelines, 2015. Collection method: clinical testing. Allele origin: de novo. Inheritance: Autosomal dominant inheritance. Affected: yes.
Comment: Criteria applied: PVS1,PS4_MOD,PM2_SUP, PS2_MOD

Labcorp Genetics (formerly Invitae), Labcorp
Classification: Pathogenic for Tuberous sclerosis 1. Last evaluated: 2021-06-01. Review status: criteria provided, single submitter. Criteria: Invitae Variant Classification Sherloc (09022015). Collection method: clinical testing. Allele origin: germline.
Comment: This variant is not present in population databases (ExAC no frequency). This sequence change creates a premature translational stop signal (p.Asn837Lysfs*3) in the TSC1 gene. It is expected to result in an absent or disrupted protein product. Loss-of-function variants in TSC1 are known to be pathogenic (PMID: 10227394, 17304050). This variant has been observed in individual(s) with tuberous sclerosis complex (PMID: 9242607). This variant is also known as 2730insA. ClinVar contains an entry for this variant (Variation ID: 48973). For these reasons, this variant has been classified as Pathogenic.

Tuberous sclerosis database (TSC1)
No classification provided. Condition: TSC. Review status: no classification provided. Criteria: Tuberous Sclerosis Database Assertion Criteria 2015. Collection method: curation. Allele origin: germline. Affected: yes. Not counted in ClinVar's aggregate classification.

Literature cited by the submitters: PubMed 10227394 (cited by Labcorp Genetics (formerly Invitae), Labcorp); PubMed 17304050 (cited by Labcorp Genetics (formerly Invitae), Labcorp); PubMed 9242607 (cited by Labcorp Genetics (formerly Invitae), Labcorp).